The following is an entry in ClinVar:

ClinVar aggregate classification (germline): Likely benign (1 of 4 stars; one submission).

Conditions:
RABGAP1-related condition.

gnomAD v4.1: 17 of 1,613,944 alleles (0.0011%); highest among the groups gnomAD compares: Admixed American, 0.023%; no homozygotes.

Submission:

PreventionGenetics, part of Exact Sciences
Classification: Likely benign for RABGAP1-related condition. Last evaluated: 2026-07-23. Review status: criteria provided, single submitter. Criteria: ACMG Guidelines, 2015. Collection method: clinical testing. Allele origin: germline.
Comment: This variant is classified as likely benign based on ACMG/AMP sequence variant interpretation guidelines (Richards et al. 2015 PMID: 25741868, with internal and published modifications).

NM_012197.4(RABGAP1):c.1476T>G (p.Pro492=)

Gene: RABGAP1 (RAB GTPase activating protein 1; plus strand). Cytogenetic location: 9q33.2.
Variant type: single nucleotide variant.
Coding change: c.1476T>G on transcript NM_012197.4 (MANE Select); coding-DNA position 1476, T replaced by G.
Protein change: p.Pro492=; no amino-acid change (proline 492 retained).
Molecular consequence: synonymous variant.
Genome position (GRCh38, 1-based): chr9:123,010,455, T>G. VCF-style: chr9-123010455-T-G. GRCh37 (hg19) VCF-style: chr9-125772734-T-G.
Identifiers: ClinVar variation 4979809 (VCV004979809.1).